The following is an entry in ClinVar:

ClinVar aggregate classification (germline): Uncertain significance (1 of 4 stars; one submission).

gnomAD v4.1: 2 of 1,571,698 alleles (0.00013%); highest among the groups gnomAD compares: Non-Finnish European, 0.00017%; no homozygotes.

Submission:

Labcorp Genetics (formerly Invitae), Labcorp
Classification: Uncertain significance. Last evaluated: 2024-04-19. Review status: criteria provided, single submitter. Criteria: Invitae Variant Classification Sherloc (09022015). Collection method: clinical testing. Allele origin: germline.
Comment: This sequence change falls in intron 20 of the IFT88 gene. It does not directly change the encoded amino acid sequence of the IFT88 protein. This variant is not present in population databases (gnomAD no frequency). This variant has not been reported in the literature in individuals affected with IFT88-related conditions. Algorithms developed to predict the effect of sequence changes on RNA splicing suggest that this variant may disrupt the consensus splice site. In summary, the available evidence is currently insufficient to determine the role of this variant in disease. Therefore, it has been classified as a Variant of Uncertain Significance.

NM_006531.5(IFT88):c.1683-17A>C

Gene: IFT88 (intraflagellar transport 88; plus strand). Cytogenetic location: 13q12.11.
Variant type: single nucleotide variant.
Coding change: c.1683-17A>C on transcript NM_006531.5 (MANE Select); 17 bases into the intron before coding-DNA position 1683, A replaced by C.
Molecular consequence: intron variant.
Genome position (GRCh38, 1-based): chr13:20,643,438, A>C. VCF-style: chr13-20643438-A-C. GRCh37 (hg19) VCF-style: chr13-21217577-A-C.
Other names: c.1710-17A>C (NM_001353567.2, NM_001318493.2, NM_175605.5 and 2 more transcripts); c.1683-17A>C (NM_001353572.2, NM_001353568.2); c.1581-17A>C (NM_001353571.2, NM_001353578.2); c.1050-17A>C (NM_001353579.2); c.1626-17A>C (NM_001353575.2, NM_001318491.2); c.1539-17A>C (NM_001353573.2); c.1524-17A>C (NM_001353574.2); c.1608-17A>C (NM_001353570.2, NM_001353576.2, NM_001353577.2 and 1 more transcripts).
Identifiers: ClinVar variation 3611138 (VCV003611138.2).
Genomic context (GRCh38, chr13:20,643,438, plus strand): 5'-TACTGTAATGTTTTTTAAGTTTGCTTATTGCTTAATGAATTTAGAAAACATGTTTTCCTT[A>C]ACTGACATTGCATAAGATATGAATTAATGGAAAATCCCAGTCAAGCTATTGAATGGCTAA-3'